The following is an entry in ClinVar:

NM_001046.3(SLC12A2):c.1226T>C (p.Ile409Thr)

Gene: SLC12A2 (solute carrier family 12 member 2; plus strand). Cytogenetic location: 5q23.3.
Variant type: single nucleotide variant.
Coding change: c.1226T>C on transcript NM_001046.3 (MANE Select); coding-DNA position 1226, T replaced by C.
Protein change: p.Ile409Thr; replaces isoleucine 409 with threonine.
Molecular consequence: missense variant. On other transcripts: non-coding transcript variant (1).
Genome position (GRCh38, 1-based): chr5:128,134,202, T>C. VCF-style: chr5-128134202-T-C. GRCh37 (hg19) VCF-style: chr5-127469894-T-C.
Other names: c.1226T>C, p.Ile409Thr (NM_001256461.2); short protein forms I409T.
Identifiers: ClinVar variation 1679744 (VCV001679744.3), dbSNP rs1485381198, ClinGen allele CA360742199.
Genomic context (GRCh38, chr5:128,134,202, plus strand): 5'-ATATTTATGATTCCTTTTTCTAGGAACATTCCATACTTATGATAGATGAAATCAATGATA[T>C]CCGAATTATTGGAGCCATTACAGTCGTGATTCTTTTAGGTATCTCAGTAGCTGGAATGGA-3'
Protein context (NP_001037.1, residues 399-419): SILMIDEIND[Ile409Thr]RIIGAITVVI

ClinVar aggregate classification (germline): Uncertain significance. Review status: criteria provided, multiple submitters, no conflicts (2 of 4 stars). 2 submissions from 2 submitters: Uncertain significance (2). Last evaluated 2024-10-22.

Conditions:
Delpire-McNeill syndrome. Also called: SLC12A2-related autosomal dominant infantile-developmental delay-intellectual disability-sensorineural deafness syndrome. Identifiers: Orphanet 633024, MedGen C5436771, MONDO:0033667, OMIM 619083.
Kilquist syndrome (KILQS). Also called: SLC12A2-related autosomal recessive neonatal-developmental delay-intellectual disability-feeding difficulty-sensorineural deafness syndrome. Identifiers: Orphanet 633021, MedGen C5436756, MONDO:0033664, OMIM 619080.

Allele frequency attached by ClinVar (database versions not stated): gnomAD 0.00002; gnomAD exomes below 0.00001.
gnomAD v4.1: 10 of 1,604,154 alleles (0.00062%); highest among the groups gnomAD compares: Admixed American, 0.0017%; no homozygotes.

Submissions (2):

Labcorp Genetics (formerly Invitae), Labcorp
Classification: Uncertain significance. Last evaluated: 2024-10-22. Review status: criteria provided, single submitter. Criteria: Invitae Variant Classification Sherloc (09022015). Collection method: clinical testing. Allele origin: germline.
Comment: This sequence change replaces isoleucine, which is neutral and non-polar, with threonine, which is neutral and polar, at codon 409 of the SLC12A2 protein (p.Ile409Thr). This variant is present in population databases (no rsID available, gnomAD 0.0009%). This variant has not been reported in the literature in individuals affected with SLC12A2-related conditions. ClinVar contains an entry for this variant (Variation ID: 1679744). Invitae Evidence Modeling of protein sequence and biophysical properties (such as structural, functional, and spatial information, amino acid conservation, physicochemical variation, residue mobility, and thermodynamic stability) indicates that this missense variant is not expected to disrupt SLC12A2 protein function with a negative predictive value of 80%. In summary, the available evidence is currently insufficient to determine the role of this variant in disease. Therefore, it has been classified as a Variant of Uncertain Significance.

New York Genome Center
Classification: Uncertain significance for Delpire-McNeill syndrome; Kilquist syndrome. Last evaluated: 2021-05-21. Review status: criteria provided, single submitter. Criteria: NYGC Assertion Criteria 2020. Collection method: clinical testing. Allele origin: germline. Observed: 1 heterozygote. Study: CSER-NYCKidSeq.